The following is an entry in ClinVar:

ClinVar aggregate classification (germline): Likely benign. Review status: criteria provided, multiple submitters, no conflicts (2 of 4 stars). 2 submissions from 2 submitters: Likely benign (2). Last evaluated 2025-06-09.

Submissions (2):

Labcorp Genetics (formerly Invitae), Labcorp
Classification: Likely benign. Last evaluated: 2025-06-09. Review status: criteria provided, single submitter. Criteria: Invitae Variant Classification Sherloc (09022015). Collection method: clinical testing. Allele origin: germline.

Mayo Clinic Laboratories, Mayo Clinic
Classification: Likely benign. Last evaluated: 2025-05-28. Review status: criteria provided, single submitter. Criteria: ACMG Guidelines, 2015. Collection method: clinical testing. Allele origin: germline. Observed: 1 variant allele.
Comment: BP4, BP7, PM2_supporting

NM_000660.7(TGFB1):c.1014+10G>A

Gene: TGFB1 (transforming growth factor beta 1; minus strand). Cytogenetic location: 19q13.2.
Variant type: single nucleotide variant.
Coding change: c.1014+10G>A on transcript NM_000660.7 (MANE Select); 10 bases into the intron after coding-DNA position 1014, G replaced by A.
Molecular consequence: intron variant.
Genome position (GRCh38, 1-based): chr19:41,332,118, C>T on the plus strand (G>A on the coding strand, the complement: TGFB1 is on the minus strand). VCF-style: chr19-41332118-C-T. GRCh37 (hg19) VCF-style: chr19-41838023-C-T.
Other names: p.?.
Identifiers: ClinVar variation 3680606 (VCV003680606.3).